The following is an entry in ClinVar:

NM_001127208.3(TET2):c.220G>C (p.Val74Leu)

Genes: TET2 (tet methylcytosine dioxygenase 2; plus strand), TET2-AS1 (TET2 antisense RNA 1; minus strand). Cytogenetic location: 4q24.
Variant type: single nucleotide variant.
Coding change: c.220G>C on transcript NM_001127208.3 (MANE Select); coding-DNA position 220, G replaced by C.
Protein change: p.Val74Leu; replaces valine 74 with leucine.
Molecular consequence: missense variant.
Genome position (GRCh38, 1-based): chr4:105,234,162, G>C. VCF-style: chr4-105234162-G-C. GRCh37 (hg19) VCF-style: chr4-106155319-G-C.
Other names: c.220G>C, p.Val74Leu (NM_017628.4); short protein forms V74L.
Identifiers: ClinVar variation 3806074 (VCV003806074.1).
Genomic context (GRCh38, chr4:105,234,162, plus strand): 5'-TGGCACTCTTTCAAAAGTTATTATGGAATACCCTGTATGAAGGGAAGCCAGAATAGTCGT[G>C]TGAGTCCTGACTTTACACAAGAAAGTAGAGGGTATTCCAAGTGTTTGCAAAATGGAGGAA-3'
Protein context (NP_001120680.1, residues 64-84): PCMKGSQNSR[Val74Leu]SPDFTQESRG

ClinVar aggregate classification (germline): Uncertain significance (1 of 4 stars; one submission).

gnomAD v4.1: 3 of 1,614,178 alleles (0.00019%); highest among the groups gnomAD compares: Non-Finnish European, 0.00025%; no homozygotes.

Submission:

Ambry Genetics
Classification: Uncertain significance. Last evaluated: 2025-02-19. Review status: criteria provided, single submitter. Criteria: Ambry Variant Classification Scheme 2023. Collection method: clinical testing. Allele origin: germline.
Comment: The p.V74L variant (also known as c.220G>C), located in coding exon 1 of the TET2 gene, results from a G to C substitution at nucleotide position 220. The valine at codon 74 is replaced by leucine, an amino acid with highly similar properties. This amino acid position is conserved. In addition, this alteration is predicted to be tolerated by in silico analysis. Based on the available evidence, the clinical significance of this variant remains unclear.